The following is an entry in ClinVar:

NM_001134673.4(NFIA):c.1228C>T (p.Gln410Ter)

Gene: NFIA (nuclear factor I A; plus strand). Cytogenetic location: 1p31.3.
Variant type: single nucleotide variant.
Coding change: c.1228C>T on transcript NM_001134673.4 (MANE Select); coding-DNA position 1228, C replaced by T.
Protein change: p.Gln410Ter; replaces glutamine 410 with a stop codon.
Molecular consequence: nonsense.
Genome position (GRCh38, 1-based): chr1:61,404,256, C>T. VCF-style: chr1-61404256-C-T. GRCh37 (hg19) VCF-style: chr1-61869928-C-T.
Other names: c.1204C>T, p.Gln402Ter (NM_001145511.2); c.1363C>T, p.Gln455Ter (NM_001145512.2); c.1228C>T, p.Gln410Ter (NM_005595.5); short protein forms Q410*, Q455*, Q402*.
Identifiers: ClinVar variation 931857 (VCV000931857.3), dbSNP rs1665711818, ClinGen allele CA340589333.

ClinVar aggregate classification (germline): Likely pathogenic (1 of 4 stars; one submission).

Conditions:
Chromosome 1p32-p31 deletion syndrome. Identifiers: Orphanet 401986, MedGen C4707828, MONDO:0013396.

Submission:

Centre for Mendelian Genomics, University Medical Centre Ljubljana
Classification: Likely pathogenic for Brain malformations with or without urinary tract defects. Last evaluated: 2018-10-24. Review status: criteria provided, single submitter. Criteria: ACMG Guidelines, 2015. Collection method: clinical testing. Allele origin: unknown. Affected: yes.
Comment: This variant was classified as: Likely pathogenic. The following ACMG criteria were applied in classifying this variant: PVS1,PM2.